The following is an entry in ClinVar:

ClinVar aggregate classification (germline): Uncertain significance. Review status: criteria provided, multiple submitters, no conflicts (2 of 4 stars). 6 submissions from 6 submitters: Uncertain significance (6). Last evaluated 2025-06-06.

Conditions:
Cardiovascular phenotype. Identifiers: MedGen CN230736.
Hereditary cancer-predisposing syndrome. Also called: Hereditary neoplastic syndrome; Neoplastic Syndromes, Hereditary; Tumor predisposition; Hereditary Cancer Syndrome. Identifiers: Orphanet 140162, MedGen C0027672, MeSH D009386, MONDO:0015356.
LZTR1-related schwannomatosis. Also called: Schwannomatosis 2; Schwannomatosis-2, susceptibility to. Identifiers: Orphanet 93921, MedGen C3810283, MONDO:0014299, OMIM 615670.

Allele frequency attached by ClinVar (database versions not stated): gnomAD exomes below 0.00001; TOPMed below 0.00001; gnomAD 0.00001; ExAC 0.00002.
gnomAD v4.1: 4 of 1,613,708 alleles (0.00025%); highest among the groups gnomAD compares: Non-Finnish European, 0.00034%; no homozygotes.

Submissions (6):

Labcorp Genetics (formerly Invitae), Labcorp
Classification: Uncertain significance. Last evaluated: 2025-06-06. Review status: criteria provided, single submitter. Criteria: Invitae Variant Classification Sherloc (09022015). Collection method: clinical testing. Allele origin: germline.
Comment: This sequence change replaces glycine, which is neutral and non-polar, with serine, which is neutral and polar, at codon 195 of the LZTR1 protein (p.Gly195Ser). This variant is present in population databases (rs758338373, gnomAD 0.0009%). This variant has not been reported in the literature in individuals affected with LZTR1-related conditions. ClinVar contains an entry for this variant (Variation ID: 1750008). Invitae Evidence Modeling of protein sequence and biophysical properties (such as structural, functional, and spatial information, amino acid conservation, physicochemical variation, residue mobility, and thermodynamic stability) indicates that this missense variant is not expected to disrupt LZTR1 protein function with a negative predictive value of 80%. In summary, the available evidence is currently insufficient to determine the role of this variant in disease. Therefore, it has been classified as a Variant of Uncertain Significance.

Ambry Genetics
Classification: Uncertain significance for Cardiovascular phenotype; Hereditary cancer-predisposing syndrome. Last evaluated: 2024-12-30. Review status: criteria provided, single submitter. Criteria: Ambry Variant Classification Scheme 2023. Collection method: clinical testing. Allele origin: germline.
Comment: The p.G195S variant (also known as c.583G>A), located in coding exon 6 of the LZTR1 gene, results from a G to A substitution at nucleotide position 583. The glycine at codon 195 is replaced by serine, an amino acid with similar properties. This amino acid position is conserved. In addition, this alteration is predicted to be deleterious by in silico analysis. Since supporting evidence is limited at this time, the clinical significance of this alteration remains unclear.

ARUP Laboratories, Molecular Genetics and Genomics, ARUP Laboratories
Classification: Uncertain significance. Last evaluated: 2024-02-26. Review status: criteria provided, single submitter. Criteria: ARUP Molecular Germline Variant Investigation Process 2024. Collection method: clinical testing. Allele origin: germline.
Comment: The LZTR1 c.583G>A; p.Gly195Ser variant (rs758338373), to our knowledge, is not reported in the medical literature but is reported in ClinVar (Variation ID: 1750008). This variant is only observed on one allele in the Genome Aggregation Database (v2.1.1), indicating it is not a common polymorphism. Computational analyses are uncertain whether this variant is neutral or deleterious (REVEL: 0.658). Due to limited information, the clinical significance of this variant is uncertain at this time.

Baylor Genetics
Classification: Uncertain significance for LZTR1-related schwannomatosis. Last evaluated: 2023-09-06. Review status: criteria provided, single submitter. Criteria: ACMG Guidelines, 2015. Collection method: clinical testing. Allele origin: unknown.

CeGaT Center for Human Genetics Tuebingen
Classification: Uncertain significance. Last evaluated: 2023-03-01. Review status: criteria provided, single submitter. Criteria: CeGaT Center For Human Genetics Tuebingen Variant Classification Criteria Version 2. Collection method: clinical testing. Allele origin: germline. Affected: yes. Observed: 1 variant allele.
Comment: LZTR1: PP3

Blueprint Genetics
Classification: Uncertain significance. Last evaluated: 2021-08-04. Review status: criteria provided, single submitter. Criteria: ACMG Guidelines, 2015. Collection method: clinical testing. Allele origin: germline.

NM_006767.4(LZTR1):c.583G>A (p.Gly195Ser)

Gene: LZTR1 (leucine zipper like post translational regulator 1; plus strand). Cytogenetic location: 22q11.21.
Variant type: single nucleotide variant.
Coding change: c.583G>A on transcript NM_006767.4 (MANE Select); coding-DNA position 583, G replaced by A.
Protein change: p.Gly195Ser; replaces glycine 195 with serine.
Molecular consequence: missense variant.
Genome position (GRCh38, 1-based): chr22:20,988,862, G>A. VCF-style: chr22-20988862-G-A. GRCh37 (hg19) VCF-style: chr22-21343151-G-A.
Other names: short protein forms G195S.
Identifiers: ClinVar variation 1750008 (VCV001750008.32), dbSNP rs758338373, ClinGen allele CA10118493.